The following is an entry in ClinVar:

ClinVar aggregate classification (germline): Likely benign. Review status: criteria provided, single submitter (1 of 4 stars). 2 submissions from 2 submitters: Likely benign (1). 1 of the submissions does not count toward it. Last evaluated 2026-01-17.

Conditions:
TAOK2-related disorder. Also called: TAOK2-related condition.

Submissions (2):

Labcorp Genetics (formerly Invitae), Labcorp
Classification: Likely benign. Last evaluated: 2026-01-17. Review status: criteria provided, single submitter. Criteria: Invitae Variant Classification Sherloc (09022015). Collection method: clinical testing. Allele origin: germline.

PreventionGenetics, part of Exact Sciences
Classification: Likely benign for TAOK2-related condition. Last evaluated: 2023-10-12. Review status: no assertion criteria provided. Collection method: clinical testing. Allele origin: germline. Not counted in ClinVar's aggregate classification.
Comment: This variant is classified as likely benign based on ACMG/AMP sequence variant interpretation guidelines (Richards et al. 2015 PMID: 25741868, with internal and published modifications).

NM_016151.4(TAOK2):c.1140GGA[5] (p.Glu392del)

Gene: TAOK2 (TAO kinase 2; plus strand). Cytogenetic location: 16p11.2.
Variant type: Microsatellite.
Coding change: c.1140GGA[5] on transcript NM_016151.4 (MANE Select); five copies in a row of the 3-base unit GGA starting at c.1140; the reference has six copies in a row; one copy, 3 bases deleted; also written c.1155_1157del.
Protein change: p.Glu392del; deletes glutamic acid 392.
Molecular consequence: inframe deletion.
Genome position (GRCh38, 1-based): chr16:29,983,227-29,983,229, GGA deleted; deleting any 3 consecutive bases within chr16:29,983,210-29,983,229 gives the same sequence; the position shown is the placement nearest the transcript's 3' end. VCF-style (leftmost placement, unchanged base first): chr16-29983209-AGAG-A. GRCh37 (hg19) VCF-style: chr16-29994530-AGAG-A.
Other names: c.1140GGA[5], p.Glu392del (NM_001252043.2, NM_004783.4); c.1155_1157del (NM_016151.3); short protein forms E392del.
Identifiers: ClinVar variation 773579 (VCV000773579.15), dbSNP rs368747234, ClinGen allele CA7998050.